The following is an entry in ClinVar:

NM_000535.7(PMS2):c.885G>A (p.Arg295=)

Gene: PMS2 (PMS1 homolog 2, mismatch repair system component; minus strand). Cytogenetic location: 7p22.1.
Variant type: single nucleotide variant.
Coding change: c.885G>A on transcript NM_000535.7 (MANE Select); coding-DNA position 885, G replaced by A.
Protein change: p.Arg295=; no amino-acid change (arginine 295 retained).
Molecular consequence: synonymous variant. On other transcripts: 5 prime UTR variant (2), non-coding transcript variant (1).
Genome position (GRCh38, 1-based): chr7:5,995,552, C>T on the plus strand (G>A on the coding strand, the complement: PMS2 is on the minus strand). VCF-style: chr7-5995552-C-T. GRCh37 (hg19) VCF-style: chr7-6035183-C-T.
Other names: c.480G>A, p.Arg160= (NM_001322003.2, NM_001322004.2, NM_001322005.2 and 2 more transcripts); c.885G>A, p.Arg295= (NM_001322006.2, NM_001322014.2); c.567G>A, p.Arg189= (NM_001322007.2, NM_001322008.2); c.-49G>A (NM_001322011.2, NM_001322012.2); c.312G>A, p.Arg104= (NM_001322013.2); c.576G>A, p.Arg192= (NM_001322015.2).
Identifiers: ClinVar variation 184682 (VCV000184682.22), dbSNP rs786201615, ClinGen allele CA013172.

ClinVar aggregate classification (germline): Benign/Likely benign. Review status: criteria provided, multiple submitters, no conflicts (2 of 4 stars). 7 submissions from 7 submitters: Benign (1); Likely benign (6). Last evaluated 2025-12-23.

Conditions:
Hereditary nonpolyposis colorectal neoplasms. Identifiers: MedGen C0009405, MeSH D003123.
Hereditary cancer-predisposing syndrome. Also called: Hereditary neoplastic syndrome; Neoplastic Syndromes, Hereditary; Tumor predisposition; Hereditary Cancer Syndrome. Identifiers: Orphanet 140162, MedGen C0027672, MeSH D009386, MONDO:0015356.
Lynch syndrome. Identifiers: Orphanet 144, MedGen C4552100, MONDO:0005835. Disease mechanism: loss of function.
Lynch syndrome 4 (LYNCH4). Also called: Hereditary non-polyposis colorectal cancer, type 4; Colorectal cancer, hereditary nonpolyposis, type 4. Identifiers: Orphanet 144, MedGen C1838333, MONDO:0013699, OMIM 614337. Disease mechanism: loss of function.

Allele frequency attached by ClinVar (database versions not stated): TOPMed 0.00001; gnomAD 0.00002 and 0.00003.
gnomAD v4.1: 10 of 1,613,400 alleles (0.00062%); highest among the groups gnomAD compares: African/African-American, 0.0013%; no homozygotes.

Submissions (7):

Labcorp Genetics (formerly Invitae), Labcorp
Classification: Likely benign for Hereditary nonpolyposis colorectal neoplasms. Last evaluated: 2025-12-23. Review status: criteria provided, single submitter. Criteria: Invitae Variant Classification Sherloc (09022015). Collection method: clinical testing. Allele origin: germline.

Myriad Genetics, Inc.
Classification: Benign for Lynch syndrome 4. Last evaluated: 2025-01-28. Review status: criteria provided, single submitter. Criteria: Myriad Autosomal Dominant, Autosomal Recessive and X-Linked Classification Criteria (2023). Collection method: clinical testing. Allele origin: unknown.
Comment: This variant is considered benign. This variant is a silent/synonymous amino acid change and it is not expected to impact splicing.

All of Us Research Program, National Institutes of Health
Classification: Likely benign for Lynch syndrome. Last evaluated: 2023-08-14. Review status: criteria provided, single submitter. Criteria: ACMG Guidelines, 2015. Collection method: clinical testing. Allele origin: germline. Inheritance: Autosomal dominant inheritance. Observed: 2 variant alleles, 2 heterozygotes.
Comment: This study involves interpretation of variants in research participants for the purpose of population health screening. Participant phenotype was not available at the time of variant classification. Additional details can be found in publication PMID: 35346344, PMCID: PMC8962531

Color Diagnostics, LLC DBA Color Health
Classification: Likely benign for Hereditary cancer-predisposing syndrome. Last evaluated: 2020-12-21. Review status: criteria provided, single submitter. Criteria: ACMG Guidelines, 2015. Collection method: clinical testing. Allele origin: germline.

GeneDx
Classification: Likely benign. Last evaluated: 2020-12-16. Review status: criteria provided, single submitter. Criteria: GeneDx Variant Classification Process June 2021. Collection method: clinical testing. Allele origin: germline. Affected: yes.

Women's Health and Genetics/Laboratory Corporation of America, LabCorp
Classification: Likely benign. Last evaluated: 2020-01-31. Review status: criteria provided, single submitter. Criteria: LabCorp Variant Classification Summary - May 2015. Collection method: clinical testing. Allele origin: germline.

Ambry Genetics
Classification: Likely benign for Hereditary cancer-predisposing syndrome. Last evaluated: 2015-04-21. Review status: criteria provided, single submitter. Criteria: Ambry Variant Classification Scheme 2023. Collection method: clinical testing. Allele origin: germline.